The following is an entry in ClinVar:

NM_183050.4(BCKDHB):c.196+1G>A

Gene: BCKDHB (branched chain keto acid dehydrogenase E1 subunit beta; plus strand). Cytogenetic location: 6q14.1.
Variant type: single nucleotide variant.
Coding change: c.196+1G>A on transcript NM_183050.4 (MANE Select); the canonical splice donor site of the intron after coding-DNA position 196, G replaced by A.
Molecular consequence: splice donor variant. On other transcripts: intron variant (2).
Genome position (GRCh38, 1-based): chr6:80,106,890, G>A. VCF-style: chr6-80106890-G-A. GRCh37 (hg19) VCF-style: chr6-80816607-G-A.
Other names: NC_000006.11:g.80816607G>A; c.196+1G>A (NM_183050.3, NM_001424037.1, NM_001424036.1 and 9 more transcripts); c.-15+207G>A (NM_001318975.1); c.-15+47G>A (NM_001424043.1).
Identifiers: ClinVar variation 2680145 (VCV002680145.3), dbSNP rs1554181203, ClinGen allele CA364658459.
Genomic context (GRCh38, chr6:80,106,890, plus strand): 5'-CCCAGAGGCGGCAGGTGGCTCATTTTACTTTCCAGCCAGATCCGGAGCCCCGGGAGTACG[G>A]TGAGCCCTGGGACTGCCCACTCGGTCCCGCTGCAGCCCGGACTCCCAGGCTCGCAGGCGC-3'

ClinVar aggregate classification (germline): Likely pathogenic. Review status: criteria provided, multiple submitters, no conflicts (2 of 4 stars). 2 submissions from 2 submitters: Likely pathogenic (2). Last evaluated 2025-09-08.

Conditions:
Maple syrup urine disease type 1B (MSUD1B). Also called: MSUD type IB; MSUD type 3 (formerly); MSUD due to deficiency of e1-beta subunit of branched-chain alpha-keto acid dehydrogenase complex. Identifiers: MedGen C2930990, MONDO:0023692, OMIM 620698.
Maple syrup urine disease (MSUD). Identifiers: Orphanet 511, MedGen C0024776, MeSH D008375, MONDO:0009563. Disease mechanism: loss of function.

Submissions (3):

Natera, Inc.
Classification: Likely pathogenic for Maple syrup urine disease type 1B. Last evaluated: 2025-09-08. Review status: criteria provided, single submitter. Criteria: Natera Variant Classification Schema (03/2026). Collection method: clinical testing. Allele origin: germline.
Comment: The c.196+1G>A variant in BCKDHB is a canonical splice donor site variant predicted to affect pre-mRNA splicing, which may result in an abnormal transcript and altered protein product. This variant is expected to result in nonsense mediated decay, truncation, or a dysfunctional protein product. This variant is rare in the general population with a frequency below the threshold expected for the associated phenotype(s). Given the available evidence, this variant is classified as Likely Pathogenic.

Baylor Genetics
Classification: Likely pathogenic for Maple syrup urine disease type 1A. Last evaluated: 2022-03-29. Review status: criteria provided, single submitter. Criteria: ACMG Guidelines, 2015. Collection method: clinical testing. Allele origin: unknown.

Dr. Peter K. Rogan Lab, Western University
No classification provided (evidence only). Condition: Ovarian serous cystadenocarcinoma. Review status: no classification provided. Collection method: in vitro. Allele origin: not applicable. Functional consequence: retained intron. Not counted in ClinVar's aggregate classification.